The following is an entry in ClinVar:

NM_004655.4(AXIN2):c.1212_1214delinsGGC (p.Glu405Ala)

Gene: AXIN2 (axin 2; minus strand). Cytogenetic location: 17q24.1.
Variant type: Indel.
Coding change: c.1212_1214delinsGGC on transcript NM_004655.4 (MANE Select); coding-DNA positions 1212 to 1214, AGA replaced by GGC.
Protein change: p.Glu405Ala; replaces glutamic acid 405 with alanine.
Molecular consequence: missense variant.
Genome position (GRCh38, 1-based): chr17:65,537,822-65,537,824, TCT replaced by GCC on the plus strand (AGA replaced by GGC on the coding strand, the reverse complement: AXIN2 is on the minus strand). VCF-style: chr17-65537822-TCT-GCC. GRCh37 (hg19) VCF-style: chr17-63533940-TCT-GCC.
Other names: c.1212_1214delinsGGC, p.Glu405Ala (NM_001363813.1); short protein forms E405A.
Identifiers: ClinVar variation 4867295 (VCV004867295.1).
Genomic context (GRCh38, chr17:65,537,822, plus strand): 5'-AGGGAGAGGGGGTGCTGCGTGGGCGCCCCCTCCCGCGAATTGAGTGTGAGCTCGGAGCCC[TCT>GCC]CTCTCTTCATCCTGAAAGGGAAGACGTCAGAAGGAGAAGTGACCCAGGAAGCAGAAGGGC-3'
Protein context (NP_004646.3, residues 395-415): LQQIREDEER[Glu405Ala]GSELTLNSRE

ClinVar aggregate classification (germline): Uncertain significance (1 of 4 stars; one submission).

Conditions:
Hereditary cancer-predisposing syndrome. Also called: Neoplastic Syndromes, Hereditary; Tumor predisposition; Hereditary Cancer Syndrome; Hereditary neoplastic syndrome. Identifiers: Orphanet 140162, MedGen C0027672, MeSH D009386, MONDO:0015356.

Submission:

Ambry Genetics
Classification: Uncertain significance for Hereditary cancer-predisposing syndrome. Last evaluated: 2026-04-06. Review status: criteria provided, single submitter. Criteria: Ambry Variant Classification Scheme 2023. Collection method: clinical testing. Allele origin: germline.
Comment: The c.1212_1214delAGAinsGGC variant (also known as p.E405A), located in coding exon 5 of the AXIN2 gene, results from an in-frame deletion of AGA and insertion of GGC at nucleotide positions 1212 to 1214. This results in the substitution of the glutamic acid residue for an alanine residue at codon 405, an amino acid with dissimilar properties. This amino acid position is highly conserved in available vertebrate species. In addition, the in silico prediction for this variant is inconclusive. Based on the available evidence, the clinical significance of this variant remains unclear.